The following is an entry in ClinVar:

NM_182916.3(TRNT1):c.989G>A (p.Arg330Lys)

Gene: TRNT1 (tRNA nucleotidyl transferase 1; plus strand). Cytogenetic location: 3p26.2.
Variant type: single nucleotide variant.
Coding change: c.989G>A on transcript NM_182916.3 (MANE Select); coding-DNA position 989, G replaced by A.
Protein change: p.Arg330Lys; replaces arginine 330 with lysine.
Molecular consequence: missense variant. On other transcripts: non-coding transcript variant (8).
Genome position (GRCh38, 1-based): chr3:3,147,636, G>A. VCF-style: chr3-3147636-G-A. GRCh37 (hg19) VCF-style: chr3-3189320-G-A.
Other names: c.929G>A, p.Arg310Lys (NM_001302946.2); c.989G>A, p.Arg330Lys (NM_001367321.1, NM_001367322.1, NM_001367323.1); short protein forms R310K, R330K.
Identifiers: ClinVar variation 1994401 (VCV001994401.4), dbSNP rs1191619638, ClinGen allele CA351448078.

ClinVar aggregate classification (germline): Uncertain significance (1 of 4 stars; one submission).

Conditions:
Congenital sideroblastic anemia-B-cell immunodeficiency-periodic fever-developmental delay syndrome. Also called: Sideroblastic anemia with B-cell immunodeficiency, periodic fevers, and developmental delay. Identifiers: Orphanet 369861, MedGen C4015172, MONDO:0014487, OMIM 616084.

Submission:

Labcorp Genetics (formerly Invitae), Labcorp
Classification: Uncertain significance for Congenital sideroblastic anemia-B-cell immunodeficiency-periodic fever-developmental delay syndrome. Last evaluated: 2022-05-14. Review status: criteria provided, single submitter. Criteria: Invitae Variant Classification Sherloc (09022015). Collection method: clinical testing. Allele origin: germline.
Comment: This variant is present in population databases (no rsID available, gnomAD 0.0009%). This sequence change replaces arginine, which is basic and polar, with lysine, which is basic and polar, at codon 330 of the TRNT1 protein (p.Arg330Lys). This variant has not been reported in the literature in individuals affected with TRNT1-related conditions. Algorithms developed to predict the effect of missense changes on protein structure and function output the following: SIFT: "Tolerated"; PolyPhen-2: "Possibly Damaging"; Align-GVGD: "Class C0". The lysine amino acid residue is found in multiple mammalian species, which suggests that this missense change does not adversely affect protein function. In summary, the available evidence is currently insufficient to determine the role of this variant in disease. Therefore, it has been classified as a Variant of Uncertain Significance.